The following is an entry in ClinVar:

ClinVar aggregate classification (germline): not provided. Review status: no classification provided (0 of 4 stars). 3 submissions from 1 submitter: not provided (3).

Conditions:
Preeclampsia. Identifiers: Orphanet 275555, MedGen C0032914, MONDO:0005081, HP:0100602.
Gestational diabetes mellitus uncontrolled. Identifiers: MedGen C3532257.
Normal pregnancy. Identifiers: MedGen C0232989.

Submissions (3):

Institute of Molecular and Cell Biology, University of Tartu
No classification provided. Condition: Preeclampsia. Review status: no classification provided. Collection method: case-control. Allele origin: unknown. Affected: yes. Study: Kasak2014.
Comment: The study aimed to determine the contribution of copy number variants in the genetic etiology of normal and complicated pregnancies. The samples represented (i) maternal blood DNA drawn from healthy pregnant women during 1st or 2nd trimester and (ii) maternal and paternal blood DNA drawn at term pregnancy cases representing normal and complicated gestations (severe preeclampsia, PE; gestational diabetes, GD; small-for-gestational age newborn, SGA; large-for-gestational age newborn, LGA). We performed CNV calling based on genome-wide genotyping dataset (Illumina HumanOmniExpress-24-v1 BeadChip) by applying three algorithms, QuantiSNP, GADA (Genome Alteration Detection Algorithm) and CNstream in parallel. The acquired CNV calls were merged with HD-CNV (Hotspot Detector for Copy Number Variants) program and only the CNVs predicted by at least two programs, were considered in subsequent analysis.

Institute of Molecular and Cell Biology, University of Tartu
No classification provided. Condition: Gestational diabetes mellitus uncontrolled. Review status: no classification provided. Collection method: case-control. Allele origin: unknown. Affected: yes. Study: Kasak2014.
Comment: the same text as in the submission from Institute of Molecular and Cell Biology, University of Tartu above.

Institute of Molecular and Cell Biology, University of Tartu
No classification provided. Condition: Normal pregnancy. Review status: no classification provided. Collection method: case-control. Allele origin: unknown. Affected: yes. Study: Kasak2014.
Comment: the same text as in the submission from Institute of Molecular and Cell Biology, University of Tartu above.

Literature cited by the submitters: PubMed 25666259.

NM_001008392.2(CTDSPL):c.80-8666_80-2299del

Gene: CTDSPL (CTD small phosphatase like; plus strand). Cytogenetic location: 3p22.2.
Variant type: Deletion.
Coding change: c.80-8666_80-2299del on transcript NM_001008392.2 (MANE Select); 8666 bases into the intron before coding-DNA position 80 through 2299 bases into the intron before coding-DNA position 80, 6,368 bases deleted.
Molecular consequence: intron variant.
Genome position (GRCh38, 1-based): chr3:37,938,391-37,944,758, 6,368 bases deleted. GRCh37 (hg19): chr3:37,979,882-37,986,249.
Other names: c.80-8666_80-2299del (NM_005808.3).
Identifiers: ClinVar variation 156846 (VCV000156846.2), ClinGen allele CA212029.